The following is an entry in ClinVar:

ClinVar aggregate classification (germline): Likely benign. Review status: criteria provided, single submitter (1 of 4 stars). 2 submissions from 2 submitters: Likely benign (1). 1 of the submissions does not count toward it. Last evaluated 2026-09-01.

Conditions:
JAG2-related disorder. Also called: JAG2-related condition.

Allele frequency attached by ClinVar (database versions not stated): gnomAD 0.00020; TOPMed 0.00021; 1000 Genomes Project 0.00080; 1000 Genomes Project 30x 0.00094.
gnomAD v4.1: 60 of 1,462,482 alleles (0.0041%); highest among the groups gnomAD compares: African/African-American, 0.08%; no homozygotes.

Submissions (2):

CeGaT Center for Human Genetics Tuebingen
Classification: Likely benign. Last evaluated: 2026-09-01. Review status: criteria provided, single submitter. Criteria: CeGaT Center For Human Genetics Tuebingen Variant Classification Criteria Version 2. Collection method: clinical testing. Allele origin: germline. Affected: yes. Observed: 1 variant allele.
Comment: JAG2: BP4, BP7

PreventionGenetics, part of Exact Sciences
Classification: Likely benign for JAG2-related condition. Last evaluated: 2021-12-02. Review status: no assertion criteria provided. Collection method: clinical testing. Allele origin: germline. Not counted in ClinVar's aggregate classification.
Comment: This variant is classified as likely benign based on ACMG/AMP sequence variant interpretation guidelines (Richards et al. 2015 PMID: 25741868, with internal and published modifications).

NM_002226.5(JAG2):c.402C>T (p.Phe134=)

Gene: JAG2 (jagged canonical Notch ligand 2; minus strand). Cytogenetic location: 14q32.33.
Variant type: single nucleotide variant.
Coding change: c.402C>T on transcript NM_002226.5 (MANE Select); coding-DNA position 402, C replaced by T.
Protein change: p.Phe134=; no amino-acid change (phenylalanine 134 retained).
Molecular consequence: synonymous variant.
Genome position (GRCh38, 1-based): chr14:105,167,772, G>A on the plus strand (C>T on the coding strand, the complement: JAG2 is on the minus strand). VCF-style: chr14-105167772-G-A. GRCh37 (hg19) VCF-style: chr14-105634109-G-A.
Other names: c.402C>T, p.Phe134= (NM_145159.3).
Identifiers: ClinVar variation 3054236 (VCV003054236.3), dbSNP rs587595148, ClinGen allele CA266512090.